The following is an entry in ClinVar:

NM_004706.4(ARHGEF1):c.2021T>A (p.Leu674Gln)

Gene: ARHGEF1 (Rho guanine nucleotide exchange factor 1; plus strand). Cytogenetic location: 19q13.2.
Variant type: single nucleotide variant.
Coding change: c.2021T>A on transcript NM_004706.4 (MANE Select); coding-DNA position 2021, T replaced by A.
Protein change: p.Leu674Gln; replaces leucine 674 with glutamine.
Molecular consequence: missense variant. On other transcripts: non-coding transcript variant (2).
Genome position (GRCh38, 1-based): chr19:41,904,243, T>A. VCF-style: chr19-41904243-T-A. GRCh37 (hg19) VCF-style: chr19-42408395-T-A.
Other names: c.1922T>A, p.Leu641Gln (NM_001396004.1, NM_198977.2, NM_001396002.1); c.2021T>A, p.Leu674Gln (NM_001396006.1, NM_001396003.1); c.2066T>A, p.Leu689Gln (NM_199002.2); c.2189T>A, p.Leu730Gln (NM_001396000.1); short protein forms L641Q, L689Q, L730Q, L674Q.
Identifiers: ClinVar variation 2827481 (VCV002827481.3), dbSNP rs1212267180, ClinGen allele CA406064549.

ClinVar aggregate classification (germline): Uncertain significance (1 of 4 stars; one submission).

Allele frequency attached by ClinVar (database versions not stated): gnomAD exomes below 0.00001; TOPMed below 0.00001; gnomAD 0.00001.
gnomAD v4.1: 2 of 1,612,048 alleles (0.00012%); highest among the groups gnomAD compares: African/African-American, 0.0013%; no homozygotes.

Submission:

Labcorp Genetics (formerly Invitae), Labcorp
Classification: Uncertain significance. Last evaluated: 2023-05-27. Review status: criteria provided, single submitter. Criteria: Invitae Variant Classification Sherloc (09022015). Collection method: clinical testing. Allele origin: germline.
Comment: This sequence change replaces leucine, which is neutral and non-polar, with glutamine, which is neutral and polar, at codon 689 of the ARHGEF1 protein (p.Leu689Gln). In summary, the available evidence is currently insufficient to determine the role of this variant in disease. Therefore, it has been classified as a Variant of Uncertain Significance. This variant is not present in population databases (gnomAD no frequency). This variant has not been reported in the literature in individuals affected with ARHGEF1-related conditions. An algorithm developed to predict the effect of missense changes on protein structure and function (PolyPhen-2) suggests that this variant is likely to be disruptive. Algorithms developed to predict the effect of sequence changes on RNA splicing suggest that this variant may disrupt the consensus splice site.